The following is an entry in ClinVar:

ClinVar aggregate classification (germline): Pathogenic/Likely pathogenic. Review status: criteria provided, multiple submitters, no conflicts (2 of 4 stars). 10 submissions from 10 submitters: Pathogenic (6); Likely pathogenic (2). 2 of the submissions do not count toward it. Last evaluated 2025-09-10.

Conditions:
Lynch syndrome 4 (LYNCH4). Also called: Hereditary non-polyposis colorectal cancer, type 4; Colorectal cancer, hereditary nonpolyposis, type 4. Identifiers: Orphanet 144, MedGen C1838333, MONDO:0013699, OMIM 614337. Disease mechanism: loss of function.
Lynch syndrome. Identifiers: Orphanet 144, MedGen C4552100, MONDO:0005835. Disease mechanism: loss of function.
PMS2-related disorder. Also called: PMS2-related condition.
Hereditary nonpolyposis colorectal neoplasms. Identifiers: MedGen C0009405, MeSH D003123.
Hereditary cancer-predisposing syndrome. Also called: Hereditary Cancer Syndrome; Hereditary neoplastic syndrome; Neoplastic Syndromes, Hereditary; Tumor predisposition. Identifiers: Orphanet 140162, MedGen C0027672, MeSH D009386, MONDO:0015356.

Allele frequency attached by ClinVar (database versions not stated): gnomAD 0.00001.

Submissions (10):

Labcorp Genetics (formerly Invitae), Labcorp
Classification: Pathogenic for Hereditary nonpolyposis colorectal neoplasms. Last evaluated: 2025-09-10. Review status: criteria provided, single submitter. Criteria: Invitae Variant Classification Sherloc (09022015). Collection method: clinical testing. Allele origin: germline.
Comment: This sequence change creates a premature translational stop signal (p.Gln237*) in the PMS2 gene. It is expected to result in an absent or disrupted protein product. Loss-of-function variants in PMS2 are known to be pathogenic (PMID: 21376568, 24362816). This variant is not present in population databases (gnomAD no frequency). This variant has not been reported in the literature in individuals affected with PMS2-related conditions. ClinVar contains an entry for this variant (Variation ID: 439245). For these reasons, this variant has been classified as Pathogenic.

Color Diagnostics, LLC DBA Color Health
Classification: Pathogenic for Hereditary cancer-predisposing syndrome. Last evaluated: 2024-03-11. Review status: criteria provided, single submitter. Criteria: ACMG Guidelines, 2015. Collection method: clinical testing. Allele origin: germline.
Comment: This variant changes 1 nucleotide in exon 7 of the PMS2 gene, creating a premature translation stop signal. This variant is expected to result in an absent or non-functional protein product. To our knowledge, this variant has not been reported in individuals affected with PMS2-related disorders in the literature. This variant has not been identified in the general population by the Genome Aggregation Database (gnomAD). Loss of PMS2 function is a known mechanism of disease. Based on the available evidence, this variant is classified as Pathogenic.

GeneDx
Classification: Pathogenic. Last evaluated: 2023-12-09. Review status: criteria provided, single submitter. Criteria: GeneDx Variant Classification Process June 2021. Collection method: clinical testing. Allele origin: germline. Affected: yes.
Comment: Nonsense variant predicted to result in protein truncation or nonsense mediated decay in a gene for which loss of function is a known mechanism of disease; Not observed at significant frequency in large population cohorts (gnomAD); Truncating variants in this gene are considered pathogenic by a well-established clinical consortium and/or database; Has not been previously published as pathogenic or benign to our knowledge

All of Us Research Program, National Institutes of Health
Classification: Pathogenic for Lynch syndrome. Last evaluated: 2023-11-28. Review status: criteria provided, single submitter. Criteria: ACMG Guidelines, 2015. Collection method: clinical testing. Allele origin: germline. Inheritance: Autosomal dominant inheritance. Observed: 1 variant allele, 1 heterozygote.
Comment: This variant is predicted to result in loss of protein function through nonsense-mediated or protein truncation. Loss of function is an established mechanism of disease. This prediction has not been confirmed by functional studies. This variant has been reported by several laboratories in the ClinVar database (Variation ID: 439245). This variant is absent from or rare in large population databases, including the Genome Aggregation Database.

This study involves interpretation of variants in research participants for the purpose of population health screening. Participant phenotype was not available at the time of variant classification. Additional details can be found in publication PMID: 35346344, PMCID: PMC8962531

Myriad Genetics, Inc.
Classification: Pathogenic for Lynch syndrome 4. Last evaluated: 2023-04-03. Review status: criteria provided, single submitter. Criteria: Myriad Autosomal Dominant, Autosomal Recessive and X-Linked Classification Criteria (2023). Collection method: clinical testing. Allele origin: unknown.
Comment: This variant is considered pathogenic. This variant creates a termination codon and is predicted to result in premature protein truncation.

Ambry Genetics
Classification: Pathogenic for Hereditary cancer-predisposing syndrome. Last evaluated: 2022-06-21. Review status: criteria provided, single submitter. Criteria: Ambry Variant Classification Scheme 2023. Collection method: clinical testing. Allele origin: germline.
Comment: The p.Q237* pathogenic mutation (also known as c.709C>T), located in coding exon 7 of the PMS2 gene, results from a C to T substitution at nucleotide position 709. This changes the amino acid from a glutamine to a stop codon within coding exon 7. This alteration is expected to result in loss of function by premature protein truncation or nonsense-mediated mRNA decay. As such, this alteration is interpreted as a disease-causing mutation.

Blueprint Genetics
Classification: Likely pathogenic for PMS2-related disorders. Last evaluated: 2022-06-01. Review status: criteria provided, single submitter. Criteria: ACMG Guidelines, 2015. Collection method: clinical testing. Allele origin: germline. Affected: yes. Observed: 1 variant allele.

Quest Diagnostics Nichols Institute San Juan Capistrano
Classification: Likely pathogenic. Last evaluated: 2017-05-22. Review status: criteria provided, single submitter. Criteria: Quest Diagnostics criteria. Collection method: clinical testing. Allele origin: germline.

deCODE genetics, Amgen
Classification: Likely pathogenic for Lynch syndrome 4. Last evaluated: 2023-07-21. Review status: no assertion criteria provided. Collection method: research. Allele origin: germline. Affected: yes. Observed: 1 variant allele. Not counted in ClinVar's aggregate classification.
Comment: The variant NM_000535.7:c.709C>T (chr7:5997420) in PMS2 was detected in 1 heterozygote out of 58K WGS Icelanders (MAF= 0,001%). This variant has been reported in ClinVar previously as pathogenic/likely pathogenic. Based on ACMG criteria (PVS1, PM2) this variant classifies as likely pathogenic.

Counsyl
Classification: Likely pathogenic for Lynch syndrome 4. Last evaluated: 2017-10-19. Review status: no assertion criteria provided. Collection method: clinical testing. Allele origin: unknown. Not counted in ClinVar's aggregate classification.

Literature cited by the submitters: PubMed 21376568 (cited by Labcorp Genetics (formerly Invitae), Labcorp); PubMed 24362816 (cited by Labcorp Genetics (formerly Invitae), Labcorp).

NM_000535.7(PMS2):c.709C>T (p.Gln237Ter)

Gene: PMS2 (PMS1 homolog 2, mismatch repair system component; minus strand). Cytogenetic location: 7p22.1.
Variant type: single nucleotide variant.
Coding change: c.709C>T on transcript NM_000535.7 (MANE Select); coding-DNA position 709, C replaced by T.
Protein change: p.Gln237Ter; replaces glutamine 237 with a stop codon.
Molecular consequence: nonsense. On other transcripts: 5 prime UTR variant (2), non-coding transcript variant (1).
Genome position (GRCh38, 1-based): chr7:5,997,420, G>A on the plus strand (C>T on the coding strand, the complement: PMS2 is on the minus strand). VCF-style: chr7-5997420-G-A. GRCh37 (hg19) VCF-style: chr7-6037051-G-A.
Other names: c.304C>T, p.Gln102Ter (NM_001322003.2, NM_001322004.2, NM_001322005.2 and 2 more transcripts); c.709C>T, p.Gln237Ter (NM_001322006.2, NM_001322014.2); c.391C>T, p.Gln131Ter (NM_001322007.2, NM_001322008.2); c.-225C>T (NM_001322011.2, NM_001322012.2); c.136C>T, p.Gln46Ter (NM_001322013.2); c.400C>T, p.Gln134Ter (NM_001322015.2); short protein forms Q237*, Q134*, Q102*, Q46*, Q131*.
Identifiers: ClinVar variation 439245 (VCV000439245.32), dbSNP rs1458321358, ClinGen allele CA366743790.